The following is an entry in ClinVar:

NM_017654.4(SAMD9):c.4538A>G (p.Gln1513Arg)

Gene: SAMD9 (sterile alpha motif domain containing 9; minus strand). Cytogenetic location: 7q21.2.
Variant type: single nucleotide variant.
Coding change: c.4538A>G on transcript NM_017654.4 (MANE Select); coding-DNA position 4538, A replaced by G.
Protein change: p.Gln1513Arg; replaces glutamine 1513 with arginine.
Molecular consequence: missense variant.
Genome position (GRCh38, 1-based): chr7:93,101,560, T>C on the plus strand (A>G on the coding strand, the complement: SAMD9 is on the minus strand). VCF-style: chr7-93101560-T-C. GRCh37 (hg19) VCF-style: chr7-92730873-T-C.
Other names: c.4538A>G, p.Gln1513Arg (NM_001193307.2); short protein forms Q1513R.
Identifiers: ClinVar variation 3949483 (VCV003949483.1).
Genomic context (GRCh38, chr7:93,101,560, plus strand): 5'-CGACCTTGTAAACGAAGCAAAAGTTCTTGGACTTTTTCCTCCTTCCACACATCTCCACTC[T>C]GCCACAAGGAATTAATATCTGGTGTCTTCTTAAAGCACTGGTCAATTTTTCCTTTGTGAA-3'
Protein context (NP_060124.2, residues 1503-1523): KKTPDINSLW[Gln1513Arg]SGDVWKEEKV

ClinVar aggregate classification (germline): Uncertain significance (1 of 4 stars; one submission).

Conditions:
Inborn genetic diseases. Identifiers: MedGen C0950123, MeSH D030342.

Submission:

Ambry Genetics
Classification: Uncertain significance for Inborn genetic diseases. Last evaluated: 2025-03-26. Review status: criteria provided, single submitter. Criteria: Ambry Variant Classification Scheme 2023. Collection method: clinical testing. Allele origin: germline.
Comment: The p.Q1513R variant (also known as c.4538A>G), located in coding exon 1 of the SAMD9 gene, results from an A to G substitution at nucleotide position 4538. The glutamine at codon 1513 is replaced by arginine, an amino acid with highly similar properties. This amino acid position is conserved. In addition, this alteration is predicted to be tolerated by in silico analysis. Based on the available evidence, the clinical significance of this variant remains unclear.